The following is an entry in ClinVar:

NM_000161.3(GCH1):c.1A>T (p.Met1Leu)

Genes: GCH1 (GTP cyclohydrolase 1; minus strand), LOC130055692 (ATAC-STARR-seq lymphoblastoid silent region 5776; plus strand). Cytogenetic location: 14q22.2.
Variant type: single nucleotide variant.
Coding change: c.1A>T on transcript NM_000161.3 (MANE Select); coding-DNA position 1, A replaced by T.
Protein change: p.Met1Leu; changes the start codon (methionine 1).
Molecular consequence: missense variant, initiator codon variant.
Genome position (GRCh38, 1-based): chr14:54,902,663, T>A on the plus strand (A>T on the coding strand, the complement: GCH1 is on the minus strand). VCF-style: chr14-54902663-T-A. GRCh37 (hg19) VCF-style: chr14-55369381-T-A.
Other names: c.1A>T, p.Met1Leu (NM_001024024.2, NM_001024070.2, NM_001024071.2); short protein forms M1L.
Identifiers: ClinVar variation 465758 (VCV000465758.10), dbSNP rs1555362907, ClinGen allele CA389795046.

ClinVar aggregate classification (germline): Pathogenic (1 of 4 stars; one submission).

Conditions:
GTP cyclohydrolase I deficiency. Identifiers: MedGen C0268467, MONDO:0100184.
Dystonia 5 (DRD). Also called: DYSTONIA, PROGRESSIVE, WITH DIURNAL VARIATION; DYSTONIA-PARKINSONISM WITH DIURNAL FLUCTUATION; GTP Cyclohydrolase 1-Deficient Dopa-Responsive Dystonia; Dystonia, DOPA-responsive, with or without hyperphenylalaninemia; DYT-GCH1. Identifiers: Orphanet 98808, MedGen C1851920, MONDO:0007495, OMIM 128230.

Allele frequency attached by ClinVar (database versions not stated): TOPMed below 0.00001; gnomAD 0.00001.

Submission:

Labcorp Genetics (formerly Invitae), Labcorp
Classification: Pathogenic for GTP cyclohydrolase I deficiency; Dystonia 5. Last evaluated: 2025-03-05. Review status: criteria provided, single submitter. Criteria: Invitae Variant Classification Sherloc (09022015). Collection method: clinical testing. Allele origin: germline.
Comment: This sequence change affects the initiator methionine of the GCH1 mRNA. The next in-frame methionine is located at codon 102. This variant is not present in population databases (gnomAD no frequency). Disruption of the initiator codon has been observed in individuals with autosomal dominant dopa-responsive dystonia (PMID: 9576537, 17557242, 20437540, 21935284, 22373569, 31213404). ClinVar contains an entry for this variant (Variation ID: 465758). For these reasons, this variant has been classified as Pathogenic.

Literature cited by the submitters: PubMed 9576537; PubMed 17557242; PubMed 20437540; PubMed 21935284; PubMed 22373569; PubMed 31213404.